The following is an entry in ClinVar:

NM_015450.3(POT1):c.125-2A>G

Gene: POT1 (protection of telomeres 1; minus strand). Cytogenetic location: 7q31.33.
Variant type: single nucleotide variant.
Coding change: c.125-2A>G on transcript NM_015450.3 (MANE Select); the canonical splice acceptor site of the intron before coding-DNA position 125, A replaced by G.
Molecular consequence: splice acceptor variant. On other transcripts: intron variant (1).
Genome position (GRCh38, 1-based): chr7:124,871,043, T>C on the plus strand (A>G on the coding strand, the complement: POT1 is on the minus strand). VCF-style: chr7-124871043-T-C. GRCh37 (hg19) VCF-style: chr7-124511097-T-C.
Other names: c.-138-7403A>G (NM_001042594.2).
Identifiers: ClinVar variation 624301 (VCV000624301.51), dbSNP rs1562997292, ClinGen allele CA369061756.
Genomic context (GRCh38, chr7:124,871,043, plus strand): 5'-GAGCAGGCAAGTTAGTTTTACATTTGTCTGGTCCACAATAGTTACAACTGAGCAATAATC[T>C]GGAAAACACAAAAATATTTTACCTGACTTTCAATATTTTAAAGCATTTGATAAAATAAGA-3'

ClinVar aggregate classification (germline): Likely pathogenic. Review status: criteria provided, multiple submitters, no conflicts (2 of 4 stars). 3 submissions from 3 submitters: Likely pathogenic (3). Last evaluated 2024-01-02.

Conditions:
Tumor predisposition syndrome 3 (TPDS3). Also called: Glioma susceptibility 9; LONG TELOMERE SYNDROME, POT1-RELATED; POT1 Tumor Predisposition; Melanoma, cutaneous malignant, susceptibility to, 10. Identifiers: Orphanet 618, MedGen C4014476, MONDO:0014368, OMIM 615848.
Hereditary cancer-predisposing syndrome. Also called: Hereditary Cancer Syndrome; Tumor predisposition; Hereditary neoplastic syndrome; Neoplastic Syndromes, Hereditary. Identifiers: Orphanet 140162, MedGen C0027672, MeSH D009386, MONDO:0015356.

Allele frequency attached by ClinVar (database versions not stated): gnomAD exomes below 0.00001.
gnomAD v4.1: 1 of 1,567,200 alleles (0.000064%); highest among the groups gnomAD compares: Non-Finnish European, 0.000086%; no homozygotes.

Submissions (3):

Labcorp Genetics (formerly Invitae), Labcorp
Classification: Likely pathogenic for Tumor predisposition syndrome 3. Last evaluated: 2024-01-02. Review status: criteria provided, single submitter. Criteria: Invitae Variant Classification Sherloc (09022015). Collection method: clinical testing. Allele origin: germline.
Comment: This sequence change affects an acceptor splice site in intron 6 of the POT1 gene. It is expected to disrupt RNA splicing. Variants that disrupt the donor or acceptor splice site typically lead to a loss of protein function (PMID: 16199547), and loss-of-function variants in POT1 are known to be pathogenic (PMID: 32155570). This variant is not present in population databases (gnomAD no frequency). This variant has not been reported in the literature in individuals affected with POT1-related conditions. ClinVar contains an entry for this variant (Variation ID: 624301). Algorithms developed to predict the effect of sequence changes on RNA splicing suggest that this variant may disrupt the consensus splice site. In summary, the currently available evidence indicates that the variant is pathogenic, but additional data are needed to prove that conclusively. Therefore, this variant has been classified as Likely Pathogenic.

Ambry Genetics
Classification: Likely pathogenic for Hereditary cancer-predisposing syndrome. Last evaluated: 2023-05-27. Review status: criteria provided, single submitter. Criteria: Ambry Variant Classification Scheme 2023. Collection method: clinical testing. Allele origin: germline.
Comment: The c.125-2A>G intronic variant results from an A to G substitution two nucleotides upstream from coding exon 3 in the POT1 gene. The stop codon in the predicted resulting transcript occurs in the 5' end ofthe POT1 gene. As such, this alteration may escape nonsense-mediated mRNAdecay and/or be prone to rescue by reinitiation (Rivas et al. Science. 2015 May 8;348(6235):666-9; Lindeboom et al. Nat Genet. 2016 Oct;48(10):1112-8; Rhee et al. Sci Rep. 2017 May 10;7(1):1653). The exact functional effect of this alteration is unknown; however, a significant portion of the protein is affected (Ambry internal data). This variant is considered to be rare based on population cohorts in the Genome Aggregation Database (gnomAD). This nucleotide position is highly conserved in available vertebrate species. In silico splice site analysis predicts that this alteration will weaken the native splice acceptor site. RNA studies have demonstrated that this alteration results in abnormal splicing in the set of samples tested (Ambry internal data). Based on the majority of available evidence to date, this variant is likely to be pathogenic.

CeGaT Center for Human Genetics Tuebingen
Classification: Likely pathogenic. Last evaluated: 2018-07-01. Review status: criteria provided, single submitter. Criteria: CeGaT Center For Human Genetics Tuebingen Variant Classification Criteria Version 2. Collection method: clinical testing. Allele origin: germline. Affected: yes. Observed: 1 variant allele.

Literature cited by the submitters: PubMed 16199547 (cited by Labcorp Genetics (formerly Invitae), Labcorp); PubMed 32155570 (cited by Labcorp Genetics (formerly Invitae), Labcorp).